The following is an entry in ClinVar:

NM_032977.4(CASP10):c.1033C>T (p.His345Tyr)

Gene: CASP10 (caspase 10; plus strand). Cytogenetic location: 2q33.1.
Variant type: single nucleotide variant.
Coding change: c.1033C>T on transcript NM_032977.4 (MANE Select); coding-DNA position 1033, C replaced by T.
Protein change: p.His345Tyr; replaces histidine 345 with tyrosine.
Molecular consequence: missense variant. On other transcripts: 3 prime UTR variant (1).
Genome position (GRCh38, 1-based): chr2:201,209,180, C>T. VCF-style: chr2-201209180-C-T. GRCh37 (hg19) VCF-style: chr2-202073903-C-T.
Other names: c.832C>T, p.His278Tyr (NM_001206524.2); c.904C>T, p.His302Tyr (NM_001206542.2, NM_001230.5); c.1033C>T, p.His345Tyr (NM_032974.5); c.*119C>T (NM_032976.4); short protein forms H278Y, H302Y, H345Y.
Identifiers: ClinVar variation 3366176 (VCV003366176.2).
Genomic context (GRCh38, chr2:201,209,180, plus strand): 5'-AATAATGTGACGAAAGTGGAAATGGAGATGGTCCTGCAGAAGCAGAAGTGCAATCCAGCC[C>T]ATGCCGACGGGGACTGCTTCGTGTTCTGTATTCTGACCCATGGGAGATTTGGAGCTGTCT-3'
Protein context (NP_116759.2, residues 335-355): VLQKQKCNPA[His345Tyr]ADGDCFVFCI

ClinVar aggregate classification (germline): Uncertain significance. Review status: criteria provided, multiple submitters, no conflicts (2 of 4 stars). 2 submissions from 2 submitters: Uncertain significance (2). Last evaluated 2025-01-18.

gnomAD v4.1: 1 of 1,612,668 alleles (0.000062%); highest among the groups gnomAD compares: Non-Finnish European, 0.000085%; no homozygotes.

Submissions (2):

Ambry Genetics
Classification: Uncertain significance. Last evaluated: 2025-01-18. Review status: criteria provided, single submitter. Criteria: Ambry Variant Classification Scheme 2023. Collection method: clinical testing. Allele origin: germline.

GeneDx
Classification: Uncertain significance. Last evaluated: 2023-10-18. Review status: criteria provided, single submitter. Criteria: GeneDx Variant Classification Process June 2021. Collection method: clinical testing. Allele origin: germline. Affected: yes.
Comment: In silico analysis supports that this missense variant has a deleterious effect on protein structure/function; Has not been previously published as pathogenic or benign to our knowledge